The following is an entry in ClinVar:

ClinVar aggregate classification (germline): Uncertain significance (1 of 4 stars; one submission).

Submission:

Mayo Clinic Laboratories, Mayo Clinic
Classification: Uncertain significance. Last evaluated: 2025-01-15. Review status: criteria provided, single submitter. Criteria: ACMG Guidelines, 2015. Collection method: clinical testing. Allele origin: germline. Observed: 1 variant allele.
Comment: BP4, PM2_supporting

NM_001267550.2(TTN):c.4669A>G (p.Met1557Val)

Genes: TTN (titin; minus strand), LOC101927055 (uncharacterized LOC101927055; plus strand). Cytogenetic location: 2q31.2.
Variant type: single nucleotide variant.
Coding change: c.4669A>G on transcript NM_001267550.2 (MANE Select); coding-DNA position 4669, A replaced by G.
Protein change: p.Met1557Val; replaces methionine 1557 with valine.
Molecular consequence: missense variant. On other transcripts: non-coding transcript variant (1).
Genome position (GRCh38, 1-based): chr2:178,777,294, T>C on the plus strand (A>G on the coding strand, the complement: TTN is on the minus strand). VCF-style: chr2-178777294-T-C. GRCh37 (hg19) VCF-style: chr2-179642021-T-C.
Other names: p.Met1557Val; c.4669A>G, p.Met1557Val (NM_001256850.1, NM_133378.4, NM_133379.5); c.4531A>G, p.Met1511Val (NM_003319.4, NM_133432.3, NM_133437.4); short protein forms M1511V, M1557V.
Identifiers: ClinVar variation 4540771 (VCV004540771.1).